The following is an entry in ClinVar:

ClinVar aggregate classification (germline): Uncertain significance (1 of 4 stars; one submission).

Conditions:
Charcot-Marie-Tooth disease axonal type 2Z. Also called: CHARCOT-MARIE-TOOTH DISEASE, AXONAL, AUTOSOMAL DOMINANT, TYPE 2Z; CHARCOT-MARIE-TOOTH NEUROPATHY, TYPE 2Z. Identifiers: Orphanet 466768, MedGen C5569025, MONDO:0014736, OMIM 616688.

Allele frequency attached by ClinVar (database versions not stated): gnomAD exomes below 0.00001; TOPMed below 0.00001; gnomAD 0.00001.
gnomAD v4.1: 4 of 1,614,054 alleles (0.00025%); highest among the groups gnomAD compares: East Asian, 0.0022%; no homozygotes.

Submission:

Labcorp Genetics (formerly Invitae), Labcorp
Classification: Uncertain significance for Charcot-Marie-Tooth disease axonal type 2Z. Last evaluated: 2020-01-21. Review status: criteria provided, single submitter. Criteria: Invitae Variant Classification Sherloc (09022015). Collection method: clinical testing. Allele origin: germline.
Comment: This variant has not been reported in the literature in individuals with MORC2-related conditions. In summary, the available evidence is currently insufficient to determine the role of this variant in disease. Therefore, it has been classified as a Variant of Uncertain Significance. Algorithms developed to predict the effect of missense changes on protein structure and function are either unavailable or do not agree on the potential impact of this missense change (SIFT: "Not Available"; PolyPhen-2: "Benign"; Align-GVGD: "Not Available"). This variant is not present in population databases (ExAC no frequency). This sequence change replaces arginine with histidine at codon 811 of the MORC2 protein (p.Arg811His). The arginine residue is moderately conserved and there is a small physicochemical difference between arginine and histidine.

NM_001303256.3(MORC2):c.2432G>A (p.Arg811His)

Gene: MORC2 (MORC family CW-type zinc finger 2; minus strand). Cytogenetic location: 22q12.2.
Variant type: single nucleotide variant.
Coding change: c.2432G>A on transcript NM_001303256.3 (MANE Select); coding-DNA position 2432, G replaced by A.
Protein change: p.Arg811His; replaces arginine 811 with histidine.
Molecular consequence: missense variant.
Genome position (GRCh38, 1-based): chr22:30,932,979, C>T on the plus strand (G>A on the coding strand, the complement: MORC2 is on the minus strand). VCF-style: chr22-30932979-C-T. GRCh37 (hg19) VCF-style: chr22-31328966-C-T.
Other names: c.2432G>A, p.Arg811His (NM_001303257.2); c.2246G>A, p.Arg749His (NM_014941.3); short protein forms R811H, R749H.
Identifiers: ClinVar variation 1040397 (VCV001040397.7), dbSNP rs1163301326, ClinGen allele CA411232373.